The following is an entry in ClinVar:

ClinVar aggregate classification (germline): Pathogenic. Review status: criteria provided, multiple submitters, no conflicts (2 of 4 stars). 2 submissions from 2 submitters: Pathogenic (2). Last evaluated 2026-06-19.

Conditions:
Perrault syndrome 4 (PRLTS4). Identifiers: Orphanet 2855, MedGen C3809105, MONDO:0014126, OMIM 615300.

Submissions (2):

Victorian Clinical Genetics Services, Murdoch Childrens Research Institute
Classification: Pathogenic for Perrault syndrome 4. Last evaluated: 2026-06-19. Review status: criteria provided, single submitter. Criteria: ACMG Guidelines, 2015. Collection method: clinical testing. Allele origin: germline. Affected: yes.
Comment: This variant is classified as Pathogenic. Evidence in support of pathogenic classification: Variant is predicted to cause nonsense-mediated decay (NMD) and loss of protein (premature termination codon is located at least 54 nucleotides upstream of the final exon-exon junction); Variant is present in gnomAD <0.01 for a recessive condition (v4: 1 heterozygote(s), 0 homozygote(s)); This variant has limited previous evidence of pathogenicity in an unrelated individual(s). It has been classified as pathogenic by one clinical laboratory in ClinVar; Other NMD-predicted variant(s) comparable to the one identified in this case have very strong previous evidence for pathogenicity (DECIPHER). Additional information: This variant is heterozygous; This gene is associated with autosomal recessive disease; No published evidence of segregation with disease has been identified for this variant; No published functional evidence has been identified for this variant; Loss of function is a known mechanism of disease in this gene and is associated with Perrault syndrome 4 (MIM#615300) and hydrops, lactic acidosis, and sideroblastic anaemia (MIM#617021); Variants in this gene are known to have variable expressivity (OMIM).

Labcorp Genetics (formerly Invitae), Labcorp
Classification: Pathogenic. Last evaluated: 2022-11-28. Review status: criteria provided, single submitter. Criteria: Invitae Variant Classification Sherloc (09022015). Collection method: clinical testing. Allele origin: germline.
Comment: This sequence change creates a premature translational stop signal (p.Asp371Ilefs*4) in the LARS2 gene. It is expected to result in an absent or disrupted protein product. Loss-of-function variants in LARS2 are known to be pathogenic (PMID: 23541342, 30737337). This variant is not present in population databases (gnomAD no frequency). This variant has not been reported in the literature in individuals affected with LARS2-related conditions. For these reasons, this variant has been classified as Pathogenic.

Literature cited by the submitters: PubMed 23541342 (cited by Labcorp Genetics (formerly Invitae), Labcorp); PubMed 30737337 (cited by Labcorp Genetics (formerly Invitae), Labcorp).

NM_015340.4(LARS2):c.1111del (p.Asp371fs)

Genes: LARS2 (leucyl-tRNA synthetase 2, mitochondrial; plus strand), LARS2-AS1 (LARS2 antisense RNA 1; minus strand). Cytogenetic location: 3p21.31.
Variant type: Deletion.
Coding change: c.1111del on transcript NM_015340.4 (MANE Select); coding-DNA position 1111, one base deleted (G; older notation c.1111delG).
Protein change: p.Asp371fs; shifts the reading frame from aspartic acid 371.
Molecular consequence: frameshift variant.
Genome position (GRCh38, 1-based): chr3:45,485,784, G deleted; the last of 2 consecutive G bases (chr3:45,485,783-45,485,784); deleting either gives the same sequence. VCF-style (leftmost placement, unchanged base first): chr3-45485782-TG-T. GRCh37 (hg19) VCF-style: chr3-45527274-TG-T.
Other names: c.1111del, p.Asp371fs (NM_001368263.1); short protein forms D371fs.
Identifiers: ClinVar variation 2775905 (VCV002775905.4), dbSNP rs1699797900, ClinGen allele CA1361695246.